The following is an entry in ClinVar:

ClinVar aggregate classification (germline): Uncertain significance (1 of 4 stars; one submission).

Submission:

GeneDx
Classification: Uncertain significance. Last evaluated: 2023-10-25. Review status: criteria provided, single submitter. Criteria: GeneDx Variant Classification Process June 2021. Collection method: clinical testing. Allele origin: germline. Affected: yes.
Comment: Not observed at significant frequency in large population cohorts (gnomAD); In silico analysis supports that this missense variant has a deleterious effect on protein structure/function; Has not been previously published as pathogenic or benign to our knowledge

NM_004187.5(KDM5C):c.153C>G (p.Asp51Glu)

Gene: KDM5C (lysine demethylase 5C; minus strand). Cytogenetic location: Xp11.22.
Variant type: single nucleotide variant.
Coding change: c.153C>G on transcript NM_004187.5 (MANE Select); coding-DNA position 153, C replaced by G.
Protein change: p.Asp51Glu; replaces aspartic acid 51 with glutamic acid.
Molecular consequence: missense variant. On other transcripts: non-coding transcript variant (3), intron variant (1).
Genome position (GRCh38, 1-based): chrX:53,220,914, G>C on the plus strand (C>G on the coding strand, the complement: KDM5C is on the minus strand). VCF-style: chrX-53220914-G-C. GRCh37 (hg19) VCF-style: chrX-53250096-G-C.
Other names: c.153C>G, p.Asp51Glu (NM_001282622.3, NM_001353978.3, NM_001353979.2 and 3 more transcripts); c.151-2948C>G (NM_001146702.2); short protein forms D51E.
Identifiers: ClinVar variation 3363463 (VCV003363463.1).
Genomic context (GRCh38, chrX:53,220,914, plus strand): 5'-CCTCTGGATTCGGGGGGTAAACCTGAAGTTGTCCACTTCCACAGCAAAGGGTGGCTGCCA[G>C]TCCTGAGAGGGTAGAGAGGGGAAAGGGACTTGAGTTATCTCAGCATAGTGTAAGACCGGA-3'
Protein context (NP_004178.2, residues 41-61): SGICKIRPPA[Asp51Glu]WQPPFAVEVD